The following is an entry in ClinVar:

ClinVar aggregate classification (germline): Likely benign. Review status: criteria provided, multiple submitters, no conflicts (2 of 4 stars). 3 submissions from 3 submitters: Likely benign (3). Last evaluated 2025-10-29.

Allele frequency attached by ClinVar (database versions not stated): ExAC 0.00001; gnomAD 0.00002 and 0.00003; gnomAD exomes 0.00002 and 0.00003; TOPMed 0.00002.
gnomAD v4.1: 46 of 1,614,270 alleles (0.0028%); highest among the groups gnomAD compares: Middle Eastern, 0.066%; no homozygotes.

Submissions (3):

Labcorp Genetics (formerly Invitae), Labcorp
Classification: Likely benign. Last evaluated: 2025-10-29. Review status: criteria provided, single submitter. Criteria: Invitae Variant Classification Sherloc (09022015). Collection method: clinical testing. Allele origin: germline.

Mayo Clinic Laboratories, Mayo Clinic
Classification: Likely benign. Last evaluated: 2025-04-10. Review status: criteria provided, single submitter. Criteria: ACMG Guidelines, 2015. Collection method: clinical testing. Allele origin: germline. Observed: 1 variant allele.
Comment: BP4, BP7

GeneDx
Classification: Likely benign. Last evaluated: 2018-03-13. Review status: criteria provided, single submitter. Criteria: GeneDx Variant Classification (06012015). Collection method: clinical testing. Allele origin: germline. Affected: yes.
Comment: This variant is considered likely benign or benign based on one or more of the following criteria: it is a conservative change, it occurs at a poorly conserved position in the protein, it is predicted to be benign by multiple in silico algorithms, and/or has population frequency not consistent with disease.

NM_021830.5(TWNK):c.198G>A (p.Gly66=)

Gene: TWNK (twinkle mtDNA helicase; plus strand). Cytogenetic location: 10q24.31.
Variant type: single nucleotide variant.
Coding change: c.198G>A on transcript NM_021830.5 (MANE Select); coding-DNA position 198, G replaced by A.
Protein change: p.Gly66=; no amino-acid change (glycine 66 retained).
Molecular consequence: synonymous variant. On other transcripts: non-coding transcript variant (4), intron variant (3).
Genome position (GRCh38, 1-based): chr10:100,988,408, G>A. VCF-style: chr10-100988408-G-A. GRCh37 (hg19) VCF-style: chr10-102748165-G-A.
Other names: p.Gly66=; c.198G>A, p.Gly66= (NM_001163812.2); c.-120+795G>A (NM_001163814.2, NM_001163813.2); c.-58+795G>A (NM_001368275.1).
Identifiers: ClinVar variation 515988 (VCV000515988.6), dbSNP rs752613820, ClinGen allele CA5653037.